The following is an entry in ClinVar:

NM_138477.4(CDAN1):c.885_886del (p.Arg295fs)

Gene: CDAN1 (codanin 1; minus strand). Cytogenetic location: 15q15.2.
Variant type: Microsatellite.
Coding change: c.885_886del on transcript NM_138477.4 (MANE Select); coding-DNA positions 885 to 886, 2 bases deleted (AG; older notation c.885_886delAG).
Protein change: p.Arg295fs; shifts the reading frame from arginine 295.
Molecular consequence: frameshift variant.
Genome position (GRCh38, 1-based): chr15:42,735,567-42,735,568, CT deleted on the plus strand (AG on the coding strand, the reverse complement: CDAN1 is on the minus strand); deleting any 2 consecutive bases within chr15:42,735,567-42,735,570 gives the same sequence; the c. name uses the placement nearest the transcript's 3' end. VCF-style (leftmost placement, unchanged base first): chr15-42735566-ACT-A. GRCh37 (hg19) VCF-style: chr15-43027764-ACT-A.
Other names: short protein forms R295fs.
Identifiers: ClinVar variation 2585182 (VCV002585182.1), dbSNP rs778173860, ClinGen allele CA7516250.

ClinVar aggregate classification (germline): Likely pathogenic (1 of 4 stars; one submission).

Conditions:
Anemia, congenital dyserythropoietic, type 1a (CDAN1A). Also called: CDAN1-Related Congenital Dyserythropoietic Anemia; DYSERYTHROPOIETIC ANEMIA, CONGENITAL, TYPE Ia. Identifiers: MedGen C5574667, MONDO:0009135, OMIM 224120.

Submission:

Neuberg Centre For Genomic Medicine, NCGM
Classification: Likely pathogenic for Anemia, congenital dyserythropoietic, type 1a. Review status: criteria provided, single submitter. Criteria: ACMG Guidelines, 2015. Collection method: clinical testing. Allele origin: germline. Inheritance: Autosomal recessive inheritance. Affected: yes.
Comment: The frameshift variant c.885_886del (p.Arg295SerfsTer20) in CDAN1 gene has not been reported previously as a pathogenic variant nor as a benign variant, to our knowledge. This variant is novel (not in any individuals) in 1000 Genomes. Null variant (frame-shift), in gene CDAN1 for which loss-of-function is a known mechanism of disease. This variant causes a frameshift starting with codon Arginine 295, changes this amino acid to Serine residue, and creates a premature Stop codon at position 20 of the new reading frame, denoted p.Arg295SerfsTer20. For these reasons, this variant has been classified as Likely Pathogenic.